The following is an entry in ClinVar:

NM_006755.2(TALDO1):c.297_329+27dup

Gene: TALDO1 (transaldolase 1; plus strand). Cytogenetic location: 11p15.5.
Variant type: Duplication.
Coding change: c.297_329+27dup on transcript NM_006755.2 (MANE Select); coding-DNA position 297 through 27 bases into the intron after coding-DNA position 329, 60 bases duplicated.
Molecular consequence: splice donor variant.
Genome position (GRCh38, 1-based): chr11:759,025-759,084, 60 bases duplicated. GRCh37 (hg19): chr11:759,025-759,084.
Identifiers: ClinVar variation 4733654 (VCV004733654.1).

ClinVar aggregate classification (germline): Uncertain significance (1 of 4 stars; one submission).

Submission:

Labcorp Genetics (formerly Invitae), Labcorp
Classification: Uncertain significance. Last evaluated: 2025-12-26. Review status: criteria provided, single submitter. Criteria: Invitae Variant Classification Sherloc (09022015). Collection method: clinical testing. Allele origin: germline.
Comment: This sequence change falls in intron 3 of the TALDO1 gene. It does not directly change the encoded amino acid sequence of the TALDO1 protein. This variant is not present in population databases (gnomAD no frequency). This variant has not been reported in the literature in individuals affected with TALDO1-related conditions. Experimental studies and prediction algorithms are not available or were not evaluated, and the effect of this variant on mRNA splicing is currently unknown. In summary, the available evidence is currently insufficient to determine the role of this variant in disease. Therefore, it has been classified as a Variant of Uncertain Significance.